The following is an entry in ClinVar:

ClinVar aggregate classification (germline): Pathogenic/Likely pathogenic. Review status: criteria provided, multiple submitters, no conflicts (2 of 4 stars). 2 submissions from 2 submitters: Pathogenic (1); Likely pathogenic (1). Last evaluated 2024-03-23.

Conditions:
Autosomal recessive nonsyndromic hearing loss 12. Also called: DEAFNESS, AUTOSOMAL RECESSIVE 12. Identifiers: Orphanet 90636, MedGen C1832394, MONDO:0011067, OMIM 601386.
Usher syndrome type 1D (USH1D). Also called: USHER SYNDROME, TYPE ID. Identifiers: Orphanet 231169, Orphanet 886, MedGen C1832845, MONDO:0010984, OMIM 601067.
Pituitary adenoma 5, multiple types. Identifiers: MedGen C4539685, MONDO:0054601, OMIM 617540.

Submissions (2):

Fulgent Genetics
Classification: Likely pathogenic for Usher syndrome type 1D; Autosomal recessive nonsyndromic hearing loss 12; Pituitary adenoma 5, multiple types. Last evaluated: 2024-03-23. Review status: criteria provided, single submitter. Criteria: ACMG Guidelines, 2015. Collection method: clinical testing. Allele origin: germline.

Labcorp Genetics (formerly Invitae), Labcorp
Classification: Pathogenic. Last evaluated: 2022-07-11. Review status: criteria provided, single submitter. Criteria: Invitae Variant Classification Sherloc (09022015). Collection method: clinical testing. Allele origin: germline.
Comment: For these reasons, this variant has been classified as Pathogenic. This variant has not been reported in the literature in individuals affected with CDH23-related conditions. This variant is not present in population databases (gnomAD no frequency). This sequence change creates a premature translational stop signal (p.Leu826Serfs*27) in the CDH23 gene. It is expected to result in an absent or disrupted protein product. Loss-of-function variants in CDH23 are known to be pathogenic (PMID: 11138009, 21940737).

Literature cited by the submitters: PubMed 11138009 (cited by Labcorp Genetics (formerly Invitae), Labcorp); PubMed 21940737 (cited by Labcorp Genetics (formerly Invitae), Labcorp).

NM_022124.6(CDH23):c.2476del (p.Leu826fs)

Gene: CDH23 (cadherin related 23; plus strand). Cytogenetic location: 10q22.1.
Variant type: Deletion.
Coding change: c.2476del on transcript NM_022124.6 (MANE Select); coding-DNA position 2476, one base deleted (C; older notation c.2476delC).
Protein change: p.Leu826fs; shifts the reading frame from leucine 826.
Molecular consequence: frameshift variant.
Genome position (GRCh38, 1-based): chr10:71,702,100, C deleted; the last of 2 consecutive C bases (chr10:71,702,099-71,702,100); deleting either gives the same sequence. VCF-style (leftmost placement, unchanged base first): chr10-71702098-GC-G. GRCh37 (hg19) VCF-style: chr10-73461855-GC-G.
Other names: c.2476del, p.Leu826fs (NM_001171930.2, NM_001171931.2); short protein forms L826fs.
Identifiers: ClinVar variation 2014525 (VCV002014525.5), dbSNP rs1865609793, ClinGen allele CA1918833512.
Genomic context (GRCh38, chr10:71,702,098, plus strand): 5'-CAGACCTGGGGGAGAATGGCACCCTGGTGTACAGCATCCAGCCACCCAACAAGTTCTACA[GC>G]CTCAACAGCACCACGGGCAAGATCCGCACCACCCACGCCATGCTGGACCGGGAGAACCCC-3'